The following is an entry in ClinVar:

ClinVar aggregate classification (germline): Conflicting classifications of pathogenicity. Review status: criteria provided, conflicting classifications (1 of 4 stars). 5 submissions from 5 submitters: Uncertain significance (3); Likely benign (1). 1 of the submissions does not count toward it. Last evaluated 2025-11-26.

Conditions:
Cardiovascular phenotype. Identifiers: MedGen CN230736.
Alstrom syndrome (ALMS). Identifiers: Orphanet 64, MedGen C0268425, MONDO:0008763, OMIM 203800.

Allele frequency attached by ClinVar (database versions not stated): TOPMed 0.00004; gnomAD 0.00005; ESP Exome Variant Server 0.00017.
gnomAD v4.1: 30 of 1,613,840 alleles (0.0019%); highest among the groups gnomAD compares: Middle Eastern, 0.082%; no homozygotes.

Submissions (5):

Ambry Genetics
Classification: Likely benign for Cardiovascular phenotype. Last evaluated: 2025-11-26. Review status: criteria provided, single submitter. Criteria: Ambry Variant Classification Scheme 2023. Collection method: clinical testing. Allele origin: germline.

GeneDx
Classification: Uncertain significance. Last evaluated: 2024-06-04. Review status: criteria provided, single submitter. Criteria: GeneDx Variant Classification Process June 2021. Collection method: clinical testing. Allele origin: germline. Affected: yes.
Comment: In silico analysis indicates that this missense variant does not alter protein structure/function; Has not been previously published as pathogenic or benign to our knowledge

Labcorp Genetics (formerly Invitae), Labcorp
Classification: Uncertain significance for Alstrom syndrome. Last evaluated: 2022-05-04. Review status: criteria provided, single submitter. Criteria: Invitae Variant Classification Sherloc (09022015). Collection method: clinical testing. Allele origin: germline.
Comment: This sequence change replaces tyrosine, which is neutral and polar, with cysteine, which is neutral and slightly polar, at codon 2049 of the ALMS1 protein (p.Tyr2049Cys). This variant is present in population databases (rs201162418, gnomAD 0.02%). This variant has not been reported in the literature in individuals affected with ALMS1-related conditions. ClinVar contains an entry for this variant (Variation ID: 552428). Algorithms developed to predict the effect of missense changes on protein structure and function output the following: SIFT: "Not Available"; PolyPhen-2: "Not Available"; Align-GVGD: "Not Available". The cysteine amino acid residue is found in multiple mammalian species, which suggests that this missense change does not adversely affect protein function. In summary, the available evidence is currently insufficient to determine the role of this variant in disease. Therefore, it has been classified as a Variant of Uncertain Significance.

Fulgent Genetics
Classification: Uncertain significance for Alstrom syndrome. Last evaluated: 2022-01-04. Review status: criteria provided, single submitter. Criteria: ACMG Guidelines, 2015. Collection method: clinical testing. Allele origin: unknown.

Counsyl
Classification: Uncertain significance for Alstrom syndrome. Last evaluated: 2017-06-16. Review status: no assertion criteria provided. Collection method: clinical testing. Allele origin: unknown. Not counted in ClinVar's aggregate classification.

NM_001378454.1(ALMS1):c.6143A>G (p.Tyr2048Cys)

Gene: ALMS1 (ALMS1 centrosome and basal body associated protein; plus strand). Cytogenetic location: 2p13.1.
Variant type: single nucleotide variant.
Coding change: c.6143A>G on transcript NM_001378454.1 (MANE Select); coding-DNA position 6143, A replaced by G.
Protein change: p.Tyr2048Cys; replaces tyrosine 2048 with cysteine.
Molecular consequence: missense variant.
Genome position (GRCh38, 1-based): chr2:73,452,670, A>G. VCF-style: chr2-73452670-A-G. GRCh37 (hg19) VCF-style: chr2-73679797-A-G.
Other names: c.6146A>G, p.Tyr2049Cys (NM_015120.4); short protein forms Y2049C, Y2048C.
Identifiers: ClinVar variation 552428 (VCV000552428.9), dbSNP rs201162418, ClinGen allele CA1714012.